The following is an entry in ClinVar:

NM_178425.4(HDAC9):c.1128G>A (p.Pro376=)

Gene: HDAC9 (histone deacetylase 9; plus strand). Cytogenetic location: 7p21.1.
Variant type: single nucleotide variant.
Coding change: c.1128G>A on transcript NM_178425.4 (MANE Select); coding-DNA position 1128, G replaced by A.
Protein change: p.Pro376=; no amino-acid change (proline 376 retained).
Molecular consequence: synonymous variant.
Genome position (GRCh38, 1-based): chr7:18,647,877, G>A. VCF-style: chr7-18647877-G-A. GRCh37 (hg19) VCF-style: chr7-18687500-G-A.
Other names: c.981G>A, p.Pro327= (NM_001321888.2); c.897G>A, p.Pro299= (NM_001321889.2); c.1113G>A, p.Pro371= (NM_001321890.2, NM_001204144.3); c.987G>A, p.Pro329= (NM_001321891.2, NM_001321893.2, NM_001204145.3); c.996G>A, p.Pro332= (NM_001321894.2, NM_001321895.2, NM_001321897.2 and 2 more transcripts); c.1035G>A, p.Pro345= (NM_001321896.2, NM_001204148.3); c.1011G>A, p.Pro337= (NM_001321898.2, NM_001321885.2); c.1128G>A, p.Pro376= (NM_001321899.2, NM_001321902.2, NM_001321874.2); and 13 more.
Identifiers: ClinVar variation 2657332 (VCV002657332.24), dbSNP rs771090434, ClinGen allele CA4173828.

ClinVar aggregate classification (germline): Likely benign (1 of 4 stars; one submission).

Allele frequency attached by ClinVar (database versions not stated): ExAC 0.00001; gnomAD 0.00001; TOPMed 0.00001.
gnomAD v4.1: 5 of 1,612,468 alleles (0.00031%); highest among the groups gnomAD compares: African/African-American, 0.0027%; no homozygotes.

Submission:

CeGaT Center for Human Genetics Tuebingen
Classification: Likely benign. Last evaluated: 2022-12-01. Review status: criteria provided, single submitter. Criteria: CeGaT Center For Human Genetics Tuebingen Variant Classification Criteria Version 2. Collection method: clinical testing. Allele origin: germline. Affected: yes. Observed: 1 variant allele.
Comment: HDAC9: BP4, BP7